The following is an entry in ClinVar:

NM_004304.5(ALK):c.3184A>G (p.Lys1062Glu)

Gene: ALK (ALK receptor tyrosine kinase; minus strand). Cytogenetic location: 2p23.2.
Variant type: single nucleotide variant.
Coding change: c.3184A>G on transcript NM_004304.5 (MANE Select); coding-DNA position 3184, A replaced by G.
Protein change: p.Lys1062Glu; replaces lysine 1062 with glutamic acid.
Molecular consequence: missense variant. On other transcripts: 5 prime UTR variant (1).
Genome position (GRCh38, 1-based): chr2:29,223,517, T>C on the plus strand (A>G on the coding strand, the complement: ALK is on the minus strand). VCF-style: chr2-29223517-T-C. GRCh37 (hg19) VCF-style: chr2-29446383-T-C.
Other names: c.-21A>G (NM_001353765.2); short protein forms K1062E.
Identifiers: ClinVar variation 1349115 (VCV001349115.8), dbSNP rs2148171179, ClinGen allele CA346465700.

ClinVar aggregate classification (germline): Uncertain significance (1 of 4 stars; one submission).

Conditions:
Neuroblastoma, susceptibility to, 3. Also called: ALK-Related Neuroblastic Tumor Susceptibility. Identifiers: Orphanet 635, MedGen C2751681, MONDO:0013083, OMIM 613014.

Submission:

Labcorp Genetics (formerly Invitae), Labcorp
Classification: Uncertain significance for Neuroblastoma, susceptibility to, 3. Last evaluated: 2021-04-26. Review status: criteria provided, single submitter. Criteria: Invitae Variant Classification Sherloc (09022015). Collection method: clinical testing. Allele origin: germline.
Comment: This variant is not present in population databases (ExAC no frequency). In summary, the available evidence is currently insufficient to determine the role of this variant in disease. Therefore, it has been classified as a Variant of Uncertain Significance. Algorithms developed to predict the effect of missense changes on protein structure and function are either unavailable or do not agree on the potential impact of this missense change (SIFT: "Deleterious"; PolyPhen-2: "Possibly Damaging"; Align-GVGD: "Class C0"). This variant has not been reported in the literature in individuals with ALK-related conditions. This sequence change replaces lysine with glutamic acid at codon 1062 of the ALK protein (p.Lys1062Glu). The lysine residue is highly conserved and there is a small physicochemical difference between lysine and glutamic acid.